The following is an entry in ClinVar:

ClinVar aggregate classification (germline): Uncertain significance (1 of 4 stars; one submission).

Conditions:
Diarrhea 10, protein-losing enteropathy type. Identifiers: MedGen C4748579, MONDO:0032586, OMIM 618183.

Submission:

Dr. Moinak Lab, Sanjay Gandhi Postgraduate Institute of Medical Sciences
Classification: Uncertain significance for Diarrhea 10, protein-losing enteropathy type. Last evaluated: 2024-02-22. Review status: criteria provided, single submitter. Criteria: ACMG Guidelines, 2015. Collection method: clinical testing. Allele origin: germline. Inheritance: Autosomal recessive inheritance. Affected: yes. Observed: 1 homozygote.
Comment: PLVAP: c.712C>T is a novel variant involving a single nucleotide substitution from C to T in exon 3. This results in a non-synonymous change at Arginine at position 238 is replaced by Cysteine (p.Arg238Cys)

Literature cited by the submitters: PubMed 18842627.

NM_031310.3(PLVAP):c.712C>T (p.Arg238Cys)

Gene: PLVAP (plasmalemma vesicle associated protein; minus strand). Cytogenetic location: 19p13.11.
Variant type: single nucleotide variant.
Coding change: c.712C>T on transcript NM_031310.3 (MANE Select); coding-DNA position 712, C replaced by T.
Protein change: p.Arg238Cys; replaces arginine 238 with cysteine.
Molecular consequence: missense variant.
Genome position (GRCh38, 1-based): chr19:17,365,753, G>A on the plus strand (C>T on the coding strand, the complement: PLVAP is on the minus strand). VCF-style: chr19-17365753-G-A. GRCh37 (hg19) VCF-style: chr19-17476562-G-A.
Other names: short protein forms R238C.
Identifiers: ClinVar variation 4277301 (VCV004277301.1).